The following is an entry in ClinVar:

NM_006939.4(SOS2):c.2178A>T (p.Lys726Asn)

Gene: SOS2 (SOS Ras/Rho guanine nucleotide exchange factor 2; minus strand). Cytogenetic location: 14q21.3.
Variant type: single nucleotide variant.
Coding change: c.2178A>T on transcript NM_006939.4 (MANE Select); coding-DNA position 2178, A replaced by T.
Protein change: p.Lys726Asn; replaces lysine 726 with asparagine.
Molecular consequence: missense variant.
Genome position (GRCh38, 1-based): chr14:50,150,214, T>A on the plus strand (A>T on the coding strand, the complement: SOS2 is on the minus strand). VCF-style: chr14-50150214-T-A. GRCh37 (hg19) VCF-style: chr14-50616932-T-A.
Other names: c.2079A>T, p.Lys693Asn (NM_001411020.1); short protein forms K693N, K726N.
Identifiers: ClinVar variation 3959873 (VCV003959873.1).
Genomic context (GRCh38, chr14:50,150,214, plus strand): 5'-TACTCCGTTTGCCTGAGCTTGCTTCTTCCTCCTGATGATCTTAGCAATTGACTCTACCCA[T>A]TTTTTCATAGCTTTCCCTGGAAAAAGAACACATAAAGAAAAATGTCTTTTACTTGACAGA-3'
Protein context (NP_008870.2, residues 716-736): ISSVRGKAMK[Lys726Asn]WVESIAKIIR

ClinVar aggregate classification (germline): Uncertain significance (1 of 4 stars; one submission).

Conditions:
Cardiovascular phenotype. Identifiers: MedGen CN230736.

gnomAD v4.1: 1 of 1,607,592 alleles (0.000062%); no homozygotes.

Submission:

Ambry Genetics
Classification: Uncertain significance for Cardiovascular phenotype. Last evaluated: 2025-05-30. Review status: criteria provided, single submitter. Criteria: Ambry Variant Classification Scheme 2023. Collection method: clinical testing. Allele origin: germline.
Comment: The p.K726N variant (also known as c.2178A>T), located in coding exon 14 of the SOS2 gene, results from an A to T substitution at nucleotide position 2178. The lysine at codon 726 is replaced by asparagine, an amino acid with similar properties. This amino acid position is conserved. In addition, this alteration is predicted to be tolerated by in silico analysis. Based on the available evidence, the clinical significance of this variant remains unclear.